The following is an entry in ClinVar:

ClinVar aggregate classification (germline): Uncertain significance (1 of 4 stars; one submission).

Conditions:
Inborn genetic diseases. Identifiers: MedGen C0950123, MeSH D030342.

Submission:

Ambry Genetics
Classification: Uncertain significance for Inborn genetic diseases. Last evaluated: 2024-08-31. Review status: criteria provided, single submitter. Criteria: Ambry Variant Classification Scheme 2023. Collection method: clinical testing. Allele origin: germline.
Comment: The p.S578T variant (also known as c.1733G>C), located in coding exon 18 of the ERCC2 gene, results from a G to C substitution at nucleotide position 1733. The serine at codon 578 is replaced by threonine, an amino acid with similar properties. This amino acid position is conserved. In addition, the in silico prediction for this alteration is inconclusive. Based on the available evidence, the clinical significance of this variant remains unclear.

NM_000400.4(ERCC2):c.1733G>C (p.Ser578Thr)

Gene: ERCC2 (ERCC excision repair 2, TFIIH core complex helicase subunit; minus strand). Cytogenetic location: 19q13.32.
Variant type: single nucleotide variant.
Coding change: c.1733G>C on transcript NM_000400.4 (MANE Select); coding-DNA position 1733, G replaced by C.
Protein change: p.Ser578Thr; replaces serine 578 with threonine.
Molecular consequence: missense variant.
Genome position (GRCh38, 1-based): chr19:45,353,267, C>G on the plus strand (G>C on the coding strand, the complement: ERCC2 is on the minus strand). VCF-style: chr19-45353267-C-G. GRCh37 (hg19) VCF-style: chr19-45856525-C-G.
Other names: short protein forms S578T.
Identifiers: ClinVar variation 3509855 (VCV003509855.1).